The following is an entry in ClinVar:

NM_014317.5(PDSS1):c.802G>A (p.Ala268Thr)

Gene: PDSS1 (decaprenyl diphosphate synthase subunit 1; plus strand). Cytogenetic location: 10p12.1.
Variant type: single nucleotide variant.
Coding change: c.802G>A on transcript NM_014317.5 (MANE Select); coding-DNA position 802, G replaced by A.
Protein change: p.Ala268Thr; replaces alanine 268 with threonine.
Molecular consequence: missense variant.
Genome position (GRCh38, 1-based): chr10:26,724,094, G>A. VCF-style: chr10-26724094-G-A. GRCh37 (hg19) VCF-style: chr10-27013023-G-A.
Other names: c.802G>A (NM_014317.3); c.802G>A, p.Ala268Thr (NM_001321978.2); c.292G>A, p.Ala98Thr (NM_001321979.2); short protein forms A268T, A98T.
Identifiers: ClinVar variation 1185598 (VCV001185598.7), dbSNP rs767397399, ClinGen allele CA5447024.

ClinVar aggregate classification (germline): Uncertain significance. Review status: criteria provided, multiple submitters, no conflicts (2 of 4 stars). 4 submissions from 4 submitters: Uncertain significance (3). 1 of the submissions does not count toward it. Last evaluated 2025-04-21.

Conditions:
Deafness-encephaloneuropathy-obesity-valvulopathy syndrome. Identifiers: Orphanet 254898, MedGen C3553354, MONDO:0013837, OMIM 614651.

Allele frequency attached by ClinVar (database versions not stated): TOPMed below 0.00001; gnomAD 0.00001; gnomAD exomes 0.00001; ExAC 0.00002.
gnomAD v4.1: 9 of 1,612,738 alleles (0.00056%); highest among the groups gnomAD compares: South Asian, 0.0044%; no homozygotes.

Submissions (4):

GeneDx
Classification: Uncertain significance. Last evaluated: 2025-04-21. Review status: criteria provided, single submitter. Criteria: GeneDx Variant Classification Process June 2021. Collection method: clinical testing. Allele origin: germline. Affected: yes.
Comment: Not observed at significant frequency in large population cohorts (gnomAD); In silico analysis supports that this missense variant has a deleterious effect on protein structure/function; This variant is associated with the following publications: (PMID: 38129218)

Fulgent Genetics
Classification: Uncertain significance for Deafness-encephaloneuropathy-obesity-valvulopathy syndrome. Last evaluated: 2022-04-06. Review status: criteria provided, single submitter. Criteria: ACMG Guidelines, 2015. Collection method: clinical testing. Allele origin: unknown.

Labcorp Genetics (formerly Invitae), Labcorp
Classification: Uncertain significance. Last evaluated: 2022-03-21. Review status: criteria provided, single submitter. Criteria: Invitae Variant Classification Sherloc (09022015). Collection method: clinical testing. Allele origin: germline.
Comment: In summary, the available evidence is currently insufficient to determine the role of this variant in disease. Therefore, it has been classified as a Variant of Uncertain Significance. Algorithms developed to predict the effect of missense changes on protein structure and function are either unavailable or do not agree on the potential impact of this missense change (SIFT: "Not Available"; PolyPhen-2: "Probably Damaging"; Align-GVGD: "Not Available"). ClinVar contains an entry for this variant (Variation ID: 1185598). This variant has not been reported in the literature in individuals affected with PDSS1-related conditions. This variant is present in population databases (rs767397399, gnomAD 0.006%). This sequence change replaces alanine, which is neutral and non-polar, with threonine, which is neutral and polar, at codon 268 of the PDSS1 protein (p.Ala268Thr).

Myelin Disorders Clinic-Children's Medical Center/Medical Genetics Lab-Tarbiat Modares University, Children's Medical Center, Pediatrics Center of Excellence,
Classification: Uncertain significance for Deafness-encephaloneuropathy-obesity-valvulopathy syndrome. Review status: no assertion criteria provided. Collection method: clinical testing. Allele origin: de novo. Inheritance: Autosomal recessive inheritance. Affected: yes. Not counted in ClinVar's aggregate classification.